The following is an entry in ClinVar:

ClinVar aggregate classification (germline): Uncertain significance (1 of 4 stars; one submission).

Conditions:
Familial cancer of breast. Also called: Hereditary breast cancer; hereditary breast carcinoma; BREAST CANCER, FAMILIAL. Identifiers: Orphanet 227535, MedGen C0346153, MONDO:0016419, OMIM 114480. Disease mechanism: loss of function.

Submission:

Labcorp Genetics (formerly Invitae), Labcorp
Classification: Uncertain significance for Familial cancer of breast. Last evaluated: 2019-06-04. Review status: criteria provided, single submitter. Criteria: Invitae Variant Classification Sherloc (09022015). Collection method: clinical testing. Allele origin: germline.
Comment: This sequence change replaces proline with arginine at codon 1088 of the PALB2 protein (p.Pro1088Arg). The proline residue is highly conserved and there is a moderate physicochemical difference between proline and arginine. In summary, the available evidence is currently insufficient to determine the role of this variant in disease. Therefore, it has been classified as a Variant of Uncertain Significance. Algorithms developed to predict the effect of sequence changes on RNA splicing suggest that this variant may create or strengthen a splice site, but this prediction has not been confirmed by published transcriptional studies. Algorithms developed to predict the effect of missense changes on protein structure and function are either unavailable or do not agree on the potential impact of this missense change (SIFT: "Tolerated"; PolyPhen-2: "Probably Damaging"; Align-GVGD: "Class C0"). This variant has not been reported in the literature in individuals with PALB2-related conditions. This variant is not present in population databases (ExAC no frequency).

NM_024675.4(PALB2):c.3263C>G (p.Pro1088Arg)

Gene: PALB2 (partner and localizer of BRCA2; minus strand). Cytogenetic location: 16p12.2.
Variant type: single nucleotide variant.
Coding change: c.3263C>G on transcript NM_024675.4 (MANE Select); coding-DNA position 3263, C replaced by G.
Protein change: p.Pro1088Arg; replaces proline 1088 with arginine.
Molecular consequence: missense variant.
Genome position (GRCh38, 1-based): chr16:23,607,951, G>C on the plus strand (C>G on the coding strand, the complement: PALB2 is on the minus strand). VCF-style: chr16-23607951-G-C. GRCh37 (hg19) VCF-style: chr16-23619272-G-C.
Other names: short protein forms P1088R.
Identifiers: ClinVar variation 933324 (VCV000933324.10), dbSNP rs1966509842, ClinGen allele CA395139749.